The following is an entry in ClinVar:

NM_004336.5(BUB1):c.508C>G (p.Gln170Glu)

Gene: BUB1 (BUB1 mitotic checkpoint serine/threonine kinase; minus strand). Cytogenetic location: 2q13.
Variant type: single nucleotide variant.
Coding change: c.508C>G on transcript NM_004336.5 (MANE Select); coding-DNA position 508, C replaced by G.
Protein change: p.Gln170Glu; replaces glutamine 170 with glutamic acid.
Molecular consequence: missense variant.
Genome position (GRCh38, 1-based): chr2:110,669,512, G>C on the plus strand (C>G on the coding strand, the complement: BUB1 is on the minus strand). VCF-style: chr2-110669512-G-C. GRCh37 (hg19) VCF-style: chr2-111427089-G-C.
Other names: c.448C>G, p.Gln150Glu (NM_001278616.2); c.508C>G, p.Gln170Glu (NM_001278617.2); short protein forms Q170E, Q150E.
Identifiers: ClinVar variation 3262131 (VCV003262131.1).
Genomic context (GRCh38, chr2:110,669,512, plus strand): 5'-CCTGATTCTTAGAAATGCAGGCCATGTTATTTCCTGGATTTGATTTTGATGTTATCATTT[G>C]ATTTAAAACCTGAACATTATGCAGAGGTTCTGAGGTTCTAGCTATGAGGGAAAAGAGGAT-3'
Protein context (NP_004327.1, residues 160-180): EPLHNVQVLN[Gln170Glu]MITSKSNPGN

ClinVar aggregate classification (germline): Uncertain significance (1 of 4 stars; one submission).

Submission:

Ambry Genetics
Classification: Uncertain significance. Last evaluated: 2024-03-29. Review status: criteria provided, single submitter. Criteria: Ambry Variant Classification Scheme 2023. Collection method: clinical testing. Allele origin: germline.
Comment: The p.Q170E variant (also known as c.508C>G), located in coding exon 6 of the BUB1 gene, results from a C to G substitution at nucleotide position 508. The glutamine at codon 170 is replaced by glutamic acid, an amino acid with highly similar properties. This amino acid position is conserved. In addition, this alteration is predicted to be tolerated by in silico analysis. Based on the available evidence, the clinical significance of this alteration remains unclear.